The following is an entry in ClinVar:

NM_014008.5(CCDC22):c.1121T>C (p.Leu374Pro)

Gene: CCDC22 (coiled-coil domain containing 22; plus strand). Cytogenetic location: Xp11.23.
Variant type: single nucleotide variant.
Coding change: c.1121T>C on transcript NM_014008.5 (MANE Select); coding-DNA position 1121, T replaced by C.
Protein change: p.Leu374Pro; replaces leucine 374 with proline.
Molecular consequence: missense variant.
Genome position (GRCh38, 1-based): chrX:49,248,219, T>C. VCF-style: chrX-49248219-T-C. GRCh37 (hg19) VCF-style: chrX-49104680-T-C.
Other names: short protein forms L374P.
Identifiers: ClinVar variation 3375528 (VCV003375528.1).
Genomic context (GRCh38, chrX:49,248,219, plus strand): 5'-CTGTGGCATGTGACTGGGTATCCACCGGCCAGGCAGAGTCTGAGTGCCGGCACAGCAAGC[T>C]CAGTACAGCAGAGCGTGAGCAGGCCCTGCGCCTGAAGAGCCGCGCGGTGGAGCTGCTGCC-3'
Protein context (NP_054727.1, residues 364-384): QAESECRHSK[Leu374Pro]STAEREQALR

ClinVar aggregate classification (germline): Uncertain significance (1 of 4 stars; one submission).

Submission:

GeneDx
Classification: Uncertain significance. Last evaluated: 2024-05-07. Review status: criteria provided, single submitter. Criteria: GeneDx Variant Classification Process June 2021. Collection method: clinical testing. Allele origin: germline. Affected: yes.
Comment: Not observed at significant frequency in large population cohorts (gnomAD); In silico analysis indicates that this missense variant does not alter protein structure/function; Has not been previously published as pathogenic or benign to our knowledge